The following is an entry in ClinVar:

ClinVar aggregate classification (germline): Likely benign (1 of 4 stars; one submission).

Submission:

GeneDx
Classification: Likely benign. Last evaluated: 2016-12-14. Review status: criteria provided, single submitter. Criteria: GeneDx Variant Classification (06012015). Collection method: clinical testing. Allele origin: germline. Affected: yes.
Comment: This variant is considered likely benign or benign based on one or more of the following criteria: it is a conservative change, it occurs at a poorly conserved position in the protein, it is predicted to be benign by multiple in silico algorithms, and/or has population frequency not consistent with disease.

NM_004614.4(TK2):c.-256T>A

Gene: TK2 (thymidine kinase 2; minus strand). Cytogenetic location: 16q21.
Variant type: single nucleotide variant.
Coding change: c.-256T>A on transcript NM_004614.4; 256 bases upstream of the start codon, T replaced by A.
Genome position (GRCh38, 1-based): chr16:66,550,317, A>T on the plus strand (T>A on the coding strand, the complement: TK2 is on the minus strand). VCF-style: chr16-66550317-A-T. GRCh37 (hg19) VCF-style: chr16-66584220-A-T.
Identifiers: ClinVar variation 391386 (VCV000391386.3), dbSNP rs1057524064, ClinGen allele CA16608214.